The following is an entry in ClinVar:

ClinVar aggregate classification (germline): Conflicting classifications of pathogenicity. Review status: criteria provided, conflicting classifications (1 of 4 stars). 3 submissions from 3 submitters: Uncertain significance (1); Likely benign (1). 1 of the submissions does not count toward it. Last evaluated 2026-01-14.

Conditions:
PHGDH-related disorder. Also called: PHGDH-related condition.
PHGDH deficiency. Identifiers: Orphanet 79351, MedGen C1866174, MONDO:0011152, OMIM 601815.

Allele frequency attached by ClinVar (database versions not stated): gnomAD exomes 0.00005 and 0.00015; ExAC 0.00006; TOPMed 0.00010; gnomAD 0.00012 and 0.00013; ESP Exome Variant Server 0.00015.
gnomAD v4.1: 231 of 1,614,042 alleles (0.014%); highest among the groups gnomAD compares: Non-Finnish European, 0.018%; no homozygotes.

Submissions (3):

Labcorp Genetics (formerly Invitae), Labcorp
Classification: Likely benign for PHGDH deficiency. Last evaluated: 2026-01-14. Review status: criteria provided, single submitter. Criteria: Invitae Variant Classification Sherloc (09022015). Collection method: clinical testing. Allele origin: germline.

Illumina Laboratory Services, Illumina
Classification: Uncertain significance for PHGDH deficiency. Last evaluated: 2018-01-13. Review status: criteria provided, single submitter. Criteria: ICSL Variant Classification Criteria 13 December 2019. Collection method: clinical testing. Allele origin: germline.

PreventionGenetics, part of Exact Sciences
Classification: Likely benign for PHGDH-related condition. Last evaluated: 2024-05-13. Review status: no assertion criteria provided. Collection method: clinical testing. Allele origin: germline. Not counted in ClinVar's aggregate classification.
Comment: This variant is classified as likely benign based on ACMG/AMP sequence variant interpretation guidelines (Richards et al. 2015 PMID: 25741868, with internal and published modifications).

NM_006623.4(PHGDH):c.390C>T (p.Asp130=)

Gene: PHGDH (phosphoglycerate dehydrogenase; plus strand). Cytogenetic location: 1p12.
Variant type: single nucleotide variant.
Coding change: c.390C>T on transcript NM_006623.4 (MANE Select); coding-DNA position 390, C replaced by T.
Protein change: p.Asp130=; no amino-acid change (aspartic acid 130 retained).
Molecular consequence: synonymous variant.
Genome position (GRCh38, 1-based): chr1:119,726,884, C>T. VCF-style: chr1-119726884-C-T. GRCh37 (hg19) VCF-style: chr1-120269507-C-T.
Identifiers: ClinVar variation 292310 (VCV000292310.15), dbSNP rs148078511, ClinGen allele CA1037072.